The following is an entry in ClinVar:

NC_000017.11:g.(?_43051043)_(43125483_?)dup

Gene: BRCA1 (BRCA1 DNA repair associated; minus strand). Cytogenetic location: 17q21.31.
Variant type: Duplication.
Identifiers: ClinVar variation 831525 (VCV000831525.4).

ClinVar aggregate classification (germline): Uncertain significance (1 of 4 stars; one submission).

Conditions:
Hereditary breast ovarian cancer syndrome. Also called: Hereditary breast and/or ovarian cancer syndrome; Hereditary breast and ovarian cancer syndrome (HBOC); Breast and ovarian cancer; Hereditary breast and ovarian cancer; BRCA1- and BRCA2-Associated Hereditary Breast and Ovarian Cancer; Hereditary breast and ovarian cancer syndrome. Identifiers: Orphanet 145, MedGen C0677776, MeSH D061325, MONDO:0003582. Disease mechanism: loss of function.

Submission:

Labcorp Genetics (formerly Invitae), Labcorp
Classification: Uncertain significance for Hereditary breast ovarian cancer syndrome. Last evaluated: 2019-07-31. Review status: criteria provided, single submitter. Criteria: Invitae Variant Classification Sherloc (09022015). Collection method: clinical testing. Allele origin: germline.
Comment: This variant has not been reported in the literature in individuals with BRCA1-related conditions. In summary, the available evidence is currently insufficient to determine the role of this variant in disease. Therefore, it has been classified as a Variant of Uncertain Significance. Experimental studies and prediction algorithms are not available or were not evaluated for this variant, and the functional significance of the affected amino acid(s) is currently unknown. This variant results in a copy number gain of the genomic region encompassing exons 1-20 of the BRCA1 gene, which includes the initiator codon. The 5' end of this event is unknown as it extends beyond the assayed region for this gene and therefore may encompass additional genes. The 3' boundary is likely confined to intron 20 of the BRCA1 gene. As the precise location of this event is unknown, it may be in tandem or it may be located elsewhere in the genome.